The following is an entry in ClinVar:

NM_001348716.2(KDM6B):c.1146C>T (p.Cys382=)

Gene: KDM6B (lysine demethylase 6B; plus strand). Cytogenetic location: 17p13.1.
Variant type: single nucleotide variant.
Coding change: c.1146C>T on transcript NM_001348716.2 (MANE Select); coding-DNA position 1146, C replaced by T.
Protein change: p.Cys382=; no amino-acid change (cysteine 382 retained).
Molecular consequence: synonymous variant.
Genome position (GRCh38, 1-based): chr17:7,847,341, C>T. VCF-style: chr17-7847341-C-T. GRCh37 (hg19) VCF-style: chr17-7750659-C-T.
Other names: c.1146C>T, p.Cys382= (NM_001080424.2).
Identifiers: ClinVar variation 729200 (VCV000729200.8), dbSNP rs59062945, ClinGen allele CA8360519.

ClinVar aggregate classification (germline): Benign/Likely benign. Review status: criteria provided, multiple submitters, no conflicts (2 of 4 stars). 4 submissions from 4 submitters: Benign (2); Likely benign (1). 1 of the submissions does not count toward it. Last evaluated 2024-10-02.

Conditions:
KDM6B-related disorder. Also called: KDM6B-related condition.

Allele frequency attached by ClinVar (database versions not stated): gnomAD exomes 0.00046 and 0.00111; ExAC 0.00132; ESP Exome Variant Server 0.00408; gnomAD 0.00410 and 0.00442; TOPMed 0.00483; 1000 Genomes Project 0.00499; 1000 Genomes Project 30x 0.00515.
gnomAD v4.1: 1,316 of 1,610,970 alleles (0.082%); highest among the groups gnomAD compares: African/African-American, 1.5%; 9 homozygotes.

Submissions (4):

Blueprint Genetics
Classification: Likely benign. Last evaluated: 2024-10-02. Review status: criteria provided, single submitter. Criteria: ACMG Guidelines, 2015. Collection method: clinical testing. Allele origin: germline.

Labcorp Genetics (formerly Invitae), Labcorp
Classification: Benign. Last evaluated: 2019-12-31. Review status: criteria provided, single submitter. Criteria: Invitae Variant Classification Sherloc (09022015). Collection method: clinical testing. Allele origin: germline.

Breakthrough Genomics
Classification: Benign. Review status: criteria provided, single submitter. Criteria: ACMG Guidelines, 2015. Collection method: not provided. Allele origin: germline. Inheritance: Autosomal dominant inheritance. Affected: yes.

PreventionGenetics, part of Exact Sciences
Classification: Likely benign for KDM6B-related condition. Last evaluated: 2023-11-22. Review status: no assertion criteria provided. Collection method: clinical testing. Allele origin: germline. Not counted in ClinVar's aggregate classification.
Comment: This variant is classified as likely benign based on ACMG/AMP sequence variant interpretation guidelines (Richards et al. 2015 PMID: 25741868, with internal and published modifications).